The following is an entry in ClinVar:

NM_014444.5(TUBGCP4):c.109A>T (p.Ser37Cys)

Gene: TUBGCP4 (tubulin gamma complex component 4; plus strand). Cytogenetic location: 15q15.3.
Variant type: single nucleotide variant.
Coding change: c.109A>T on transcript NM_014444.5 (MANE Select); coding-DNA position 109, A replaced by T.
Protein change: p.Ser37Cys; replaces serine 37 with cysteine.
Molecular consequence: missense variant.
Genome position (GRCh38, 1-based): chr15:43,376,128, A>T. VCF-style: chr15-43376128-A-T. GRCh37 (hg19) VCF-style: chr15-43668326-A-T.
Other names: c.109A>T, p.Ser37Cys (NM_001286414.3); short protein forms S37C.
Identifiers: ClinVar variation 843108 (VCV000843108.9), dbSNP rs758955572, ClinGen allele CA7523658.

ClinVar aggregate classification (germline): Uncertain significance. Review status: criteria provided, single submitter (1 of 4 stars). 2 submissions from 2 submitters: Uncertain significance (1). 1 of the submissions does not count toward it. Last evaluated 2024-01-22.

Conditions:
Retinal dystrophy. Also called: Inherited retinal dystrophy. Identifiers: Orphanet 71862, MedGen C0854723, MeSH D058499, MONDO:0019118, HP:0000556.

Submissions (2):

Labcorp Genetics (formerly Invitae), Labcorp
Classification: Uncertain significance. Last evaluated: 2024-01-22. Review status: criteria provided, single submitter. Criteria: Invitae Variant Classification Sherloc (09022015). Collection method: clinical testing. Allele origin: germline.
Comment: This sequence change replaces serine, which is neutral and polar, with cysteine, which is neutral and slightly polar, at codon 37 of the TUBGCP4 protein (p.Ser37Cys). This variant is present in population databases (rs758955572, gnomAD 0.005%). This variant has not been reported in the literature in individuals affected with TUBGCP4-related conditions. ClinVar contains an entry for this variant (Variation ID: 843108). Advanced modeling of protein sequence and biophysical properties (such as structural, functional, and spatial information, amino acid conservation, physicochemical variation, residue mobility, and thermodynamic stability) performed at Invitae indicates that this missense variant is not expected to disrupt TUBGCP4 protein function with a negative predictive value of 80%. In summary, the available evidence is currently insufficient to determine the role of this variant in disease. Therefore, it has been classified as a Variant of Uncertain Significance.

Institute of Human Genetics, Univ. Regensburg, Univ. Regensburg
Classification: Uncertain significance for Retinal dystrophy. Last evaluated: 2023-01-01. Review status: no assertion criteria provided. Criteria: ACMG Guidelines, 2015. Collection method: clinical testing. Allele origin: germline. Affected: yes. Not counted in ClinVar's aggregate classification.